The following is an entry in ClinVar:

ClinVar aggregate classification (germline): Conflicting classifications of pathogenicity. Review status: criteria provided, conflicting classifications (1 of 4 stars). 4 submissions from 4 submitters: Likely pathogenic (1); Uncertain significance (3). Last evaluated 2024-02-08.

Conditions:
NOTCH2-related disorder. Also called: NOTCH2-related condition.
Hajdu-Cheney syndrome (HJCYS). Also called: Acroosteolysis dominant type; ACROOSTEOLYSIS WITH OSTEOPOROSIS AND CHANGES IN SKULL AND MANDIBLE; SERPENTINE FIBULA-POLYCYSTIC KIDNEY SYNDROME. Identifiers: Orphanet 955, MedGen C0917715, MONDO:0007057, OMIM 102500.
Alagille syndrome due to a NOTCH2 point mutation. Also called: Alagille syndrome 2. Identifiers: Orphanet 261629, Orphanet 52, MedGen C1857761, MONDO:0012439, OMIM 610205.

Submissions (4):

Baylor Genetics
Classification: Likely pathogenic for Alagille syndrome due to a NOTCH2 point mutation. Last evaluated: 2024-02-08. Review status: criteria provided, single submitter. Criteria: ACMG Guidelines, 2015. Collection method: clinical testing. Allele origin: unknown.

PreventionGenetics, part of Exact Sciences
Classification: Uncertain significance for NOTCH2-related condition. Last evaluated: 2023-09-03. Review status: criteria provided, single submitter. Criteria: ACMG Guidelines, 2015. Collection method: clinical testing. Allele origin: germline.
Comment: The NOTCH2 c.5177G>A variant is predicted to result in the amino acid substitution p.Arg1726His. This variant was reported de novo in at least one individual with congenital heart defects (Patient #1-06209 in supplementary databases 1 and 2, Edwards et al. 2020. PubMed ID: 32368696; Table S2, Sevim Bayrak et al. 2020. PubMed ID: 31941532). This variant has not been reported in a large population database, indicating this variant is rare. Although we suspect that this variant may be pathogenic, at this time, the clinical significance of this variant is uncertain due to the absence of conclusive functional and genetic evidence.

Labcorp Genetics (formerly Invitae), Labcorp
Classification: Uncertain significance for Hajdu-Cheney syndrome. Last evaluated: 2022-07-26. Review status: criteria provided, single submitter. Criteria: Invitae Variant Classification Sherloc (09022015). Collection method: clinical testing. Allele origin: germline.
Comment: This sequence change replaces arginine, which is basic and polar, with histidine, which is basic and polar, at codon 1726 of the NOTCH2 protein (p.Arg1726His). This variant is not present in population databases (gnomAD no frequency). This missense change has been observed in individual(s) with NOTCH2-related conditions (PMID: 32368696). ClinVar contains an entry for this variant (Variation ID: 597278). Algorithms developed to predict the effect of missense changes on protein structure and function are either unavailable or do not agree on the potential impact of this missense change (SIFT: "Tolerated"; PolyPhen-2: "Probably Damaging"; Align-GVGD: "Class C0"). In summary, the available evidence is currently insufficient to determine the role of this variant in disease. Therefore, it has been classified as a Variant of Uncertain Significance.

Eurofins Ntd Llc (ga)
Classification: Uncertain significance. Last evaluated: 2018-05-22. Review status: criteria provided, single submitter. Criteria: EGL ClinVar v180209 classification definitions. Collection method: clinical testing. Allele origin: germline. Observed: 1 variant allele, 1 heterozygote.

Literature cited by the submitters: PubMed 32368696 (cited by Labcorp Genetics (formerly Invitae), Labcorp).

NM_024408.4(NOTCH2):c.5177G>A (p.Arg1726His)

Gene: NOTCH2 (notch receptor 2; minus strand). Cytogenetic location: 1p12.
Variant type: single nucleotide variant.
Coding change: c.5177G>A on transcript NM_024408.4 (MANE Select); coding-DNA position 5177, G replaced by A.
Protein change: p.Arg1726His; replaces arginine 1726 with histidine.
Molecular consequence: missense variant.
Genome position (GRCh38, 1-based): chr1:119,922,272, C>T on the plus strand (G>A on the coding strand, the complement: NOTCH2 is on the minus strand). VCF-style: chr1-119922272-C-T. GRCh37 (hg19) VCF-style: chr1-120464895-C-T.
Other names: c.5177G>A (NM_024408.3); short protein forms R1726H.
Identifiers: ClinVar variation 597278 (VCV000597278.15), dbSNP rs1557804884, ClinGen allele CA341886729.